The following is an entry in ClinVar:

ClinVar aggregate classification (germline): Likely benign (1 of 4 stars; one submission).

Allele frequency attached by ClinVar (database versions not stated): 1000 Genomes Project 0.00080; 1000 Genomes Project 30x 0.00094; TOPMed 0.00411; gnomAD 0.00428; ExAC 0.00467; ESP Exome Variant Server 0.00485; gnomAD exomes 0.00634.
gnomAD v4.1: 9,818 of 1,612,940 alleles (0.61%); highest among the groups gnomAD compares: Non-Finnish European, 0.77%; 54 homozygotes.

Submission:

CeGaT Center for Human Genetics Tuebingen
Classification: Likely benign. Last evaluated: 2023-03-01. Review status: criteria provided, single submitter. Criteria: CeGaT Center For Human Genetics Tuebingen Variant Classification Criteria Version 2. Collection method: clinical testing. Allele origin: germline. Affected: yes. Observed: 1 variant allele.
Comment: RNASE3: BP4, BS2

NM_002935.3(RNASE3):c.214C>T (p.Arg72Cys)

Gene: RNASE3 (ribonuclease A family member 3; plus strand). Cytogenetic location: 14q11.2.
Variant type: single nucleotide variant.
Coding change: c.214C>T on transcript NM_002935.3 (MANE Select); coding-DNA position 214, C replaced by T.
Protein change: p.Arg72Cys; replaces arginine 72 with cysteine.
Molecular consequence: missense variant.
Genome position (GRCh38, 1-based): chr14:20,891,900, C>T. VCF-style: chr14-20891900-C-T. GRCh37 (hg19) VCF-style: chr14-21360059-C-T.
Other names: short protein forms R72C.
Identifiers: ClinVar variation 2644053 (VCV002644053.24), dbSNP rs151169198, ClinGen allele CA7083854.